The following is an entry in ClinVar:

NM_004360.5(CDH1):c.2164+17dup

Gene: CDH1 (cadherin 1; plus strand). Cytogenetic location: 16q22.1.
Variant type: Duplication.
Coding change: c.2164+17dup on transcript NM_004360.5 (MANE Select); 17 bases into the intron after coding-DNA position 2164, one base duplicated (A; older notation c.2164+17dupA).
Molecular consequence: intron variant.
Genome position (GRCh38, 1-based): chr16:68,823,643, A duplicated; the last of 2 consecutive A bases (chr16:68,823,642-68,823,643); duplicating either gives the same sequence. VCF-style (leftmost placement, unchanged base first): chr16-68823641-C-CA. GRCh37 (hg19) VCF-style: chr16-68857544-C-CA.
Other names: c.2164+17dupA (NM_004360.3, NM_004360.5); c.2164+17dup (LRG_301t1); c.616+17dup (NM_001317185.2); c.199+17dup (NM_001317186.2); c.1981+17dup (NM_001317184.2).
Identifiers: ClinVar variation 259292 (VCV000259292.32), dbSNP rs34939176, ClinGen allele CA8130206.
Genomic context (GRCh38, chr16:68,823,641, plus strand): 5'-ATTCCTGCCATTCTGGGGATTCTTGGAGGAATTCTTGCTTTGCTAAGTAAGTCCAGCTGG[C>CA]AAGTGACTCAGCCTTTGACTTAAAAAAATGGAGGAGGTTTATTTCCTGGAAATGATTTTT-3'

ClinVar aggregate classification (germline): Benign. Review status: reviewed by expert panel (3 of 4 stars). 12 submissions from 12 submitters: Benign (1). 11 of the submissions do not count toward it. Last evaluated 2023-08-10.

Conditions:
Breast and/or ovarian cancer. Identifiers: MedGen CN221562.
Hereditary cancer-predisposing syndrome. Also called: Hereditary Cancer Syndrome; Tumor predisposition; Hereditary neoplastic syndrome; Neoplastic Syndromes, Hereditary. Identifiers: Orphanet 140162, MedGen C0027672, MeSH D009386, MONDO:0015356.
Hereditary diffuse gastric adenocarcinoma (HDGC). Also called: DIFFUSE GASTRIC AND LOBULAR BREAST CANCER SYNDROME. Identifiers: Orphanet 26106, MedGen C1708349, MONDO:0007648, OMIM 137215.
CDH1-related diffuse gastric and lobular breast cancer syndrome. Also called: CDH1-related diffuse gastric and lobular breast cancer. Identifiers: MedGen CN311521, MONDO:0100488.

Submissions (12):

Clingen Gastric Cancer Variant Curation Expert Panel
Classification: Benign for CDH1-related diffuse gastric and lobular breast cancer syndrome. Last evaluated: 2023-08-10. Review status: reviewed by expert panel. Criteria: ClinGen CDH1 ACMG Specifications V3.1. Collection method: curation. Allele origin: germline. Inheritance: Autosomal dominant inheritance.
Comment: The NM_004360.5(CDH1):c.2164+17dup variant has an allele frequency of 0.1034 (10%, 3634/35146 alleles, 197 homozygotes) in the Latino subpopulation of the gnomAD v2.1.1 cohort (BA1; BP2). Therefore, this variant meets criteria to be classified as benign. ACMG/AMP criteria applied, as specified by the CDH1 Variant Curation Expert Panel (Variant Interpretation Guidelines Version 3.1): BA1, BP2.

Labcorp Genetics (formerly Invitae), Labcorp
Classification: Benign for Hereditary diffuse gastric adenocarcinoma. Last evaluated: 2026-02-04. Review status: criteria provided, single submitter. Criteria: Invitae Variant Classification Sherloc (09022015). Collection method: clinical testing. Allele origin: germline. Not counted in ClinVar's aggregate classification.

Center for Genomic Medicine, Rigshospitalet, Copenhagen University Hospital
Classification: Benign. Last evaluated: 2025-03-04. Review status: criteria provided, single submitter. Criteria: ACMG Guidelines, 2015. Collection method: clinical testing. Allele origin: germline. Not counted in ClinVar's aggregate classification.

Blueprint Genetics
Classification: Benign. Last evaluated: 2024-11-27. Review status: criteria provided, single submitter. Criteria: ACMG Guidelines, 2015. Collection method: clinical testing. Allele origin: germline. Not counted in ClinVar's aggregate classification.

CHEO Genetics Diagnostic Laboratory, Children's Hospital of Eastern Ontario
Classification: Benign for Breast and/or ovarian cancer. Last evaluated: 2021-04-22. Review status: criteria provided, single submitter. Criteria: ACMG Guidelines, 2015. Collection method: clinical testing. Allele origin: germline. Not counted in ClinVar's aggregate classification.

PreventionGenetics, part of Exact Sciences
Classification: Benign. Last evaluated: 2016-04-04. Review status: criteria provided, single submitter. Criteria: ACMG Guidelines, 2015. Collection method: clinical testing. Allele origin: germline. Not counted in ClinVar's aggregate classification.

Color Diagnostics, LLC DBA Color Health
Classification: Benign for Hereditary cancer-predisposing syndrome. Last evaluated: 2015-03-31. Review status: criteria provided, single submitter. Criteria: ACMG Guidelines, 2015. Collection method: clinical testing. Allele origin: germline. Not counted in ClinVar's aggregate classification.

GeneDx
Classification: Benign. Last evaluated: 2015-03-03. Review status: criteria provided, single submitter. Criteria: GeneDx Variant Classification Process June 2021. Collection method: clinical testing. Allele origin: germline. Affected: yes. Not counted in ClinVar's aggregate classification.

Clinical Genetics, Academic Medical Center
Classification: Benign. Review status: no assertion criteria provided. Collection method: clinical testing. Allele origin: germline. Affected: yes. Study: VKGL Data-share Consensus. Not counted in ClinVar's aggregate classification.

Genome Diagnostics Laboratory, Amsterdam University Medical Center
Classification: Benign. Review status: no assertion criteria provided. Collection method: clinical testing. Allele origin: germline. Affected: yes. Study: VKGL Data-share Consensus. Not counted in ClinVar's aggregate classification.

Genome Diagnostics Laboratory, University Medical Center Utrecht
Classification: Benign. Review status: no assertion criteria provided. Collection method: clinical testing. Allele origin: germline. Affected: yes. Study: VKGL Data-share Consensus. Not counted in ClinVar's aggregate classification.

Mayo Clinic Laboratories, Mayo Clinic
Classification: Benign. Review status: no assertion criteria provided. Collection method: clinical testing. Allele origin: unknown. Not counted in ClinVar's aggregate classification.